The following is an entry in ClinVar:

ClinVar aggregate classification (germline): Uncertain significance (1 of 4 stars; one submission).

Conditions:
Hereditary cancer-predisposing syndrome. Also called: Neoplastic Syndromes, Hereditary; Tumor predisposition; Hereditary neoplastic syndrome; Hereditary Cancer Syndrome. Identifiers: Orphanet 140162, MedGen C0027672, MeSH D009386, MONDO:0015356.

gnomAD v4.1: 1 of 1,612,862 alleles (0.000062%); highest among the groups gnomAD compares: African/African-American, 0.0013%; no homozygotes.

Submission:

Ambry Genetics
Classification: Uncertain significance for Hereditary cancer-predisposing syndrome. Last evaluated: 2025-06-06. Review status: criteria provided, single submitter. Criteria: Ambry Variant Classification Scheme 2023. Collection method: clinical testing. Allele origin: germline.
Comment: The p.L63V variant (also known as c.187C>G), located in coding exon 1 of the ALK gene, results from a C to G substitution at nucleotide position 187. The leucine at codon 63 is replaced by valine, an amino acid with highly similar properties. This amino acid position is conserved. In addition, the in silico prediction for this alteration is inconclusive. Based on the available evidence, the clinical significance of this variant remains unclear.

NM_004304.5(ALK):c.187C>G (p.Leu63Val)

Gene: ALK (ALK receptor tyrosine kinase; minus strand). Cytogenetic location: 2p23.1.
Variant type: single nucleotide variant.
Coding change: c.187C>G on transcript NM_004304.5 (MANE Select); coding-DNA position 187, C replaced by G.
Protein change: p.Leu63Val; replaces leucine 63 with valine.
Molecular consequence: missense variant.
Genome position (GRCh38, 1-based): chr2:29,920,473, G>C on the plus strand (C>G on the coding strand, the complement: ALK is on the minus strand). VCF-style: chr2-29920473-G-C. GRCh37 (hg19) VCF-style: chr2-30143339-G-C.
Other names: short protein forms L63V.
Identifiers: ClinVar variation 4041141 (VCV004041141.1).